The following is an entry in ClinVar:

NM_198578.4(LRRK2):c.2915A>G (p.Asp972Gly)

Gene: LRRK2 (leucine rich repeat kinase 2; plus strand). Cytogenetic location: 12q12.
Variant type: single nucleotide variant.
Coding change: c.2915A>G on transcript NM_198578.4 (MANE Select); coding-DNA position 2915, A replaced by G.
Protein change: p.Asp972Gly; replaces aspartic acid 972 with glycine.
Molecular consequence: missense variant.
Genome position (GRCh38, 1-based): chr12:40,295,463, A>G. VCF-style: chr12-40295463-A-G. GRCh37 (hg19) VCF-style: chr12-40689265-A-G.
Other names: short protein forms D972G.
Identifiers: ClinVar variation 533777 (VCV000533777.14), dbSNP rs201718451, ClinGen allele CA6513785.

ClinVar aggregate classification (germline): Uncertain significance. Review status: criteria provided, multiple submitters, no conflicts (2 of 4 stars). 3 submissions from 3 submitters: Uncertain significance (3). Last evaluated 2021-11-19.

Conditions:
Autosomal dominant Parkinson disease 8. Also called: LRRK2-Related Parkinson Disease; Parkinson disease 8; Parkinson disease 8, susceptibility to. Identifiers: Orphanet 411602, MedGen C1846862, MONDO:0011764, OMIM 607060.

Allele frequency attached by ClinVar (database versions not stated): gnomAD exomes 0.00006 and 0.00002; ExAC 0.00005; 1000 Genomes Project 30x 0.00016; gnomAD 0.00002 and 0.00003; TOPMed 0.00003; 1000 Genomes Project 0.00020.
gnomAD v4.1: 41 of 1,613,634 alleles (0.0025%); highest among the groups gnomAD compares: Middle Eastern, 0.033%; no homozygotes.

Submissions (3):

Revvity Omics, Revvity
Classification: Uncertain significance. Last evaluated: 2021-11-19. Review status: criteria provided, single submitter. Criteria: ACMG Guidelines, 2015. Collection method: clinical testing. Allele origin: germline.

GeneDx
Classification: Uncertain significance. Last evaluated: 2019-08-02. Review status: criteria provided, single submitter. Criteria: GeneDx Variant Classification Process June 2021. Collection method: clinical testing. Allele origin: germline. Affected: yes.
Comment: In silico analysis, which includes protein predictors and evolutionary conservation, supports a deleterious effect; Has not been previously published as pathogenic or benign to our knowledge

Labcorp Genetics (formerly Invitae), Labcorp
Classification: Uncertain significance for Autosomal dominant Parkinson disease 8. Last evaluated: 2019-01-20. Review status: criteria provided, single submitter. Criteria: Invitae Variant Classification Sherloc (09022015). Collection method: clinical testing. Allele origin: germline.
Comment: In summary, the available evidence is currently insufficient to determine the role of this variant in disease. Therefore, it has been classified as a Variant of Uncertain Significance. Algorithms developed to predict the effect of missense changes on protein structure and function (SIFT, PolyPhen-2, Align-GVGD) all suggest that this variant is likely to be tolerated, but these predictions have not been confirmed by published functional studies and their clinical significance is uncertain. This variant has not been reported in the literature in individuals with LRRK2-related disease. This variant is present in population databases (rs201718451, ExAC 0.02%). This sequence change replaces aspartic acid with glycine at codon 972 of the LRRK2 protein (p.Asp972Gly). The aspartic acid residue is moderately conserved and there is a moderate physicochemical difference between aspartic acid and glycine.